The following is an entry in ClinVar:

NM_000103.4(CYP19A1):c.253A>G (p.Met85Val)

Genes: CYP19A1 (cytochrome P450 family 19 subfamily A member 1; minus strand), MIR4713HG (MIR4713 host gene; plus strand), PIRC66 (piwi-interacting RNA cluster 66; plus strand). Cytogenetic location: 15q21.2.
Variant type: single nucleotide variant.
Coding change: c.253A>G on transcript NM_000103.4 (MANE Select); coding-DNA position 253, A replaced by G.
Protein change: p.Met85Val; replaces methionine 85 with valine.
Molecular consequence: missense variant.
Genome position (GRCh38, 1-based): chr15:51,236,902, T>C on the plus strand (A>G on the coding strand, the complement: CYP19A1 is on the minus strand). VCF-style: chr15-51236902-T-C. GRCh37 (hg19) VCF-style: chr15-51529099-T-C.
Other names: c.253A>G, p.Met85Val (NM_001347248.1, NM_001347249.2, NM_001347250.2 and 7 more transcripts); short protein forms M85V.
Identifiers: ClinVar variation 2150279 (VCV002150279.1), dbSNP rs989424694, ClinGen allele CA270541987.
Genomic context (GRCh38, chr15:51,236,902, plus strand): 5'-ATTATGAACAGACTCACTTGCTGATAATGAGTGTTTCCTCTCCAGAGATCCAGACTCGCA[T>C]GAATTCTCCATATACCCGGTTGTAGTAGTTGCAGGCACTGCCGATCCCCATCCACAGGAA-3'
Protein context (NP_000094.2, residues 75-95): NYYNRVYGEF[Met85Val]RVWISGEETL

ClinVar aggregate classification (germline): Uncertain significance (1 of 4 stars; one submission).

Allele frequency attached by ClinVar (database versions not stated): gnomAD exomes below 0.00001; TOPMed 0.00001.
gnomAD v4.1: 5 of 1,614,220 alleles (0.00031%); highest among the groups gnomAD compares: Non-Finnish European, 0.00025%; no homozygotes.

Submission:

Labcorp Genetics (formerly Invitae), Labcorp
Classification: Uncertain significance. Last evaluated: 2022-03-09. Review status: criteria provided, single submitter. Criteria: Invitae Variant Classification Sherloc (09022015). Collection method: clinical testing. Allele origin: germline.
Comment: This sequence change replaces methionine, which is neutral and non-polar, with valine, which is neutral and non-polar, at codon 85 of the CYP19A1 protein (p.Met85Val). This variant is present in population databases (no rsID available, gnomAD 0.01%). This variant has not been reported in the literature in individuals affected with CYP19A1-related conditions. Algorithms developed to predict the effect of missense changes on protein structure and function output the following: SIFT: "Tolerated"; PolyPhen-2: "Benign"; Align-GVGD: "Class C0". The valine amino acid residue is found in multiple mammalian species, which suggests that this missense change does not adversely affect protein function. In summary, the available evidence is currently insufficient to determine the role of this variant in disease. Therefore, it has been classified as a Variant of Uncertain Significance.